The following is an entry in ClinVar:

NM_002160.4(TNC):c.3693T>C (p.Tyr1231=)

Genes: TNC (tenascin C; minus strand), LOC126860741 (P300/CBP strongly-dependent group 1 enhancer GRCh37_chr9:117825442-117826641; plus strand). Cytogenetic location: 9q33.1.
Variant type: single nucleotide variant.
Coding change: c.3693T>C on transcript NM_002160.4 (MANE Select); coding-DNA position 3693, T replaced by C.
Protein change: p.Tyr1231=; no amino-acid change (tyrosine 1231 retained).
Molecular consequence: synonymous variant. On other transcripts: intron variant (8).
Genome position (GRCh38, 1-based): chr9:115,063,863, A>G on the plus strand (T>C on the coding strand, the complement: TNC is on the minus strand). VCF-style: chr9-115063863-A-G. GRCh37 (hg19) VCF-style: chr9-117826142-A-G.
Other names: c.3693T>C, p.Tyr1231= (NM_001410991.1, NM_001439065.1, NM_001439066.1 and 27 more transcripts); c.3214+9740T>C (NM_001439099.1, NM_001439096.1, NM_001439100.1 and 1 more transcripts); c.3215-6438T>C (NM_001439098.1, NM_001439094.1, NM_001439090.1); c.3487+784T>C (NM_001439097.1).
Identifiers: ClinVar variation 4982453 (VCV004982453.1).

ClinVar aggregate classification (germline): Likely benign (1 of 4 stars; one submission).

Conditions:
TNC-related disorder. Also called: TNC-related condition.

gnomAD v4.1: 5 of 1,614,106 alleles (0.00031%); highest among the groups gnomAD compares: Admixed American, 0.0067%; no homozygotes.

Submission:

PreventionGenetics, part of Exact Sciences
Classification: Likely benign for TNC-related condition. Last evaluated: 2026-09-01. Review status: criteria provided, single submitter. Criteria: ACMG Guidelines, 2015. Collection method: clinical testing. Allele origin: germline.
Comment: This variant is classified as likely benign based on ACMG/AMP sequence variant interpretation guidelines (Richards et al. 2015 PMID: 25741868, with internal and published modifications).